The following is an entry in ClinVar:

NM_002335.4(LRP5):c.1011G>C (p.Lys337Asn)

Gene: LRP5 (LDL receptor related protein 5; plus strand). Cytogenetic location: 11q13.2.
Variant type: single nucleotide variant.
Coding change: c.1011G>C on transcript NM_002335.4 (MANE Select); coding-DNA position 1011, G replaced by C.
Protein change: p.Lys337Asn; replaces lysine 337 with asparagine.
Molecular consequence: missense variant. On other transcripts: 5 prime UTR variant (1).
Genome position (GRCh38, 1-based): chr11:68,365,698, G>C. VCF-style: chr11-68365698-G-C. GRCh37 (hg19) VCF-style: chr11-68133166-G-C.
Other names: c.-755G>C (NM_001291902.2); short protein forms K337N.
Identifiers: ClinVar variation 1715350 (VCV001715350.5), dbSNP rs780249365, ClinGen allele CA6149186.

ClinVar aggregate classification (germline): Uncertain significance (1 of 4 stars; one submission).

Allele frequency attached by ClinVar (database versions not stated): ExAC 0.00001; gnomAD 0.00001; gnomAD exomes 0.00001.
gnomAD v4.1: 12 of 1,609,180 alleles (0.00075%); highest among the groups gnomAD compares: South Asian, 0.013%; no homozygotes.

Submission:

Labcorp Genetics (formerly Invitae), Labcorp
Classification: Uncertain significance. Last evaluated: 2024-07-22. Review status: criteria provided, single submitter. Criteria: Invitae Variant Classification Sherloc (09022015). Collection method: clinical testing. Allele origin: germline.
Comment: This sequence change replaces lysine, which is basic and polar, with asparagine, which is neutral and polar, at codon 337 of the LRP5 protein (p.Lys337Asn). This variant is present in population databases (rs780249365, gnomAD 0.003%). This variant has not been reported in the literature in individuals affected with LRP5-related conditions. ClinVar contains an entry for this variant (Variation ID: 1715350). Advanced modeling of protein sequence and biophysical properties (such as structural, functional, and spatial information, amino acid conservation, physicochemical variation, residue mobility, and thermodynamic stability) performed at Invitae indicates that this missense variant is not expected to disrupt LRP5 protein function with a negative predictive value of 95%. In summary, the available evidence is currently insufficient to determine the role of this variant in disease. Therefore, it has been classified as a Variant of Uncertain Significance.